The following is an entry in ClinVar:

ClinVar aggregate classification (germline): Uncertain significance (1 of 4 stars; one submission).

Conditions:
Hereditary cancer-predisposing syndrome. Also called: Hereditary neoplastic syndrome; Neoplastic Syndromes, Hereditary; Tumor predisposition; Hereditary Cancer Syndrome. Identifiers: Orphanet 140162, MedGen C0027672, MeSH D009386, MONDO:0015356.

gnomAD v4.1: 2 of 1,614,086 alleles (0.00012%); highest among the groups gnomAD compares: Non-Finnish European, 0.00017%; no homozygotes.

Submission:

Ambry Genetics
Classification: Uncertain significance for Hereditary cancer-predisposing syndrome. Last evaluated: 2025-02-02. Review status: criteria provided, single submitter. Criteria: Ambry Variant Classification Scheme 2023. Collection method: clinical testing. Allele origin: germline.
Comment: The p.N1095K variant (also known as c.3285C>A), located in coding exon 20 of the ALK gene, results from a C to A substitution at nucleotide position 3285. The asparagine at codon 1095 is replaced by lysine, an amino acid with similar properties. This amino acid position is conserved. In addition, the in silico prediction for this alteration is inconclusive. Based on the available evidence, the clinical significance of this variant remains unclear.

NM_004304.5(ALK):c.3285C>A (p.Asn1095Lys)

Gene: ALK (ALK receptor tyrosine kinase; minus strand). Cytogenetic location: 2p23.2.
Variant type: single nucleotide variant.
Coding change: c.3285C>A on transcript NM_004304.5 (MANE Select); coding-DNA position 3285, C replaced by A.
Protein change: p.Asn1095Lys; replaces asparagine 1095 with lysine.
Molecular consequence: missense variant.
Genome position (GRCh38, 1-based): chr2:29,223,416, G>T on the plus strand (C>A on the coding strand, the complement: ALK is on the minus strand). VCF-style: chr2-29223416-G-T. GRCh37 (hg19) VCF-style: chr2-29446282-G-T.
Other names: c.81C>A, p.Asn27Lys (NM_001353765.2); short protein forms N1095K, N27K.
Identifiers: ClinVar variation 3853535 (VCV003853535.1).